The following is an entry in ClinVar:

NM_001144952.2(SDK2):c.6165+5G>C

Gene: SDK2 (sidekick cell adhesion molecule 2; minus strand). Cytogenetic location: 17q25.1.
Variant type: single nucleotide variant.
Coding change: c.6165+5G>C on transcript NM_001144952.2 (MANE Select); 5 bases into the intron after coding-DNA position 6165, G replaced by C.
Molecular consequence: intron variant.
Genome position (GRCh38, 1-based): chr17:73,348,594, C>G on the plus strand (G>C on the coding strand, the complement: SDK2 is on the minus strand). VCF-style: chr17-73348594-C-G. GRCh37 (hg19) VCF-style: chr17-71344733-C-G.
Identifiers: ClinVar variation 3030467 (VCV003030467.2), dbSNP rs374117631, ClinGen allele CA8742071.

ClinVar aggregate classification (germline): Likely benign (0 of 4 stars; one submission).

Conditions:
SDK2-related disorder. Also called: SDK2-related condition.

Allele frequency attached by ClinVar (database versions not stated): gnomAD 0.00013; TOPMed 0.00013; ExAC 0.00022; ESP Exome Variant Server 0.00023.
gnomAD v4.1: 212 of 1,611,896 alleles (0.013%); highest among the groups gnomAD compares: Admixed American, 0.0067%; no homozygotes.

Submission:

PreventionGenetics, part of Exact Sciences
Classification: Likely benign for SDK2-related condition. Last evaluated: 2022-02-26. Review status: no assertion criteria provided. Collection method: clinical testing. Allele origin: germline.
Comment: This variant is classified as likely benign based on ACMG/AMP sequence variant interpretation guidelines (Richards et al. 2015 PMID: 25741868, with internal and published modifications).